The following is an entry in ClinVar:

NM_000038.6(APC):c.5010T>C (p.Ala1670=)

Gene: APC (APC regulator of Wnt signaling pathway; plus strand). Cytogenetic location: 5q22.2.
Variant type: single nucleotide variant.
Coding change: c.5010T>C on transcript NM_000038.6 (MANE Select); coding-DNA position 5010, T replaced by C.
Protein change: p.Ala1670=; no amino-acid change (alanine 1670 retained).
Molecular consequence: synonymous variant.
Genome position (GRCh38, 1-based): chr5:112,840,604, T>C. VCF-style: chr5-112840604-T-C. GRCh37 (hg19) VCF-style: chr5-112176301-T-C.
Other names: c.5010T>C, p.Ala1670= (NM_001127510.3, NM_001354895.2); c.4956T>C, p.Ala1652= (NM_001127511.3); c.5064T>C, p.Ala1688= (NM_001354896.2); c.5040T>C, p.Ala1680= (NM_001354897.2); c.4935T>C, p.Ala1645= (NM_001354898.2); c.4926T>C, p.Ala1642= (NM_001354899.2); c.4887T>C, p.Ala1629= (NM_001354900.2); c.4833T>C, p.Ala1611= (NM_001354901.2); and 5 more.
Identifiers: ClinVar variation 921390 (VCV000921390.4), dbSNP rs1765826793, ClinGen allele CA446208756.

ClinVar aggregate classification (germline): Likely benign. Review status: criteria provided, multiple submitters, no conflicts (2 of 4 stars). 3 submissions from 3 submitters: Likely benign (3). Last evaluated 2024-04-11.

Conditions:
Hereditary cancer-predisposing syndrome. Also called: Neoplastic Syndromes, Hereditary; Tumor predisposition; Hereditary Cancer Syndrome; Hereditary neoplastic syndrome. Identifiers: Orphanet 140162, MedGen C0027672, MeSH D009386, MONDO:0015356.
Classic or attenuated familial adenomatous polyposis. Identifiers: MedGen CN372698, MONDO:0021057.

gnomAD v4.1: 1 of 1,614,114 alleles (0.000062%); highest among the groups gnomAD compares: Non-Finnish European, 0.000085%; no homozygotes.

Submissions (3):

Ambry Genetics
Classification: Likely benign for Hereditary cancer-predisposing syndrome. Last evaluated: 2024-04-11. Review status: criteria provided, single submitter. Criteria: Ambry Variant Classification Scheme 2023. Collection method: clinical testing. Allele origin: germline.

All of Us Research Program, National Institutes of Health
Classification: Likely benign for Classic or attenuated familial adenomatous polyposis. Last evaluated: 2023-04-03. Review status: criteria provided, single submitter. Criteria: ACMG Guidelines, 2015. Collection method: clinical testing. Allele origin: germline. Inheritance: Autosomal dominant inheritance. Observed: 1 variant allele, 1 heterozygote.
Comment: This study involves interpretation of variants in research participants for the purpose of population health screening. Participant phenotype was not available at the time of variant classification. Additional details can be found in publication PMID: 35346344, PMCID: PMC8962531

Color Diagnostics, LLC DBA Color Health
Classification: Likely benign for Hereditary cancer-predisposing syndrome. Last evaluated: 2019-11-06. Review status: criteria provided, single submitter. Criteria: ACMG Guidelines, 2015. Collection method: clinical testing. Allele origin: germline.